The following is an entry in ClinVar:

ClinVar aggregate classification (germline): Uncertain significance (1 of 4 stars; one submission).

Submission:

GeneDx
Classification: Uncertain significance. Last evaluated: 2023-05-10. Review status: criteria provided, single submitter. Criteria: GeneDx Variant Classification Process June 2021. Collection method: clinical testing. Allele origin: germline. Affected: yes.
Comment: Not observed at significant frequency in large population cohorts (gnomAD); In silico analysis supports that this missense variant does not alter protein structure/function; Has not been previously published as pathogenic or benign to our knowledge

NM_001145026.2(PTPRQ):c.2218T>G (p.Phe740Val)

Gene: PTPRQ (protein tyrosine phosphatase receptor type Q; plus strand). Cytogenetic location: 12q21.31.
Variant type: single nucleotide variant.
Coding change: c.2218T>G on transcript NM_001145026.2 (MANE Select); coding-DNA position 2218, T replaced by G.
Protein change: p.Phe740Val; replaces phenylalanine 740 with valine.
Molecular consequence: missense variant.
Genome position (GRCh38, 1-based): chr12:80,496,477, T>G. VCF-style: chr12-80496477-T-G. GRCh37 (hg19) VCF-style: chr12-80890256-T-G.
Other names: short protein forms F740V.
Identifiers: ClinVar variation 2662248 (VCV002662248.1), dbSNP rs2541562684, ClinGen allele CA385888000.